The following is an entry in ClinVar:

NM_019066.5(MAGEL2):c.385A>G (p.Met129Val)

Gene: MAGEL2 (MAGE family member L2; minus strand). Cytogenetic location: 15q11.2.
Variant type: single nucleotide variant.
Coding change: c.385A>G on transcript NM_019066.5 (MANE Select); coding-DNA position 385, A replaced by G.
Protein change: p.Met129Val; replaces methionine 129 with valine.
Molecular consequence: missense variant.
Genome position (GRCh38, 1-based): chr15:23,647,358, T>C on the plus strand (A>G on the coding strand, the complement: MAGEL2 is on the minus strand). VCF-style: chr15-23647358-T-C. GRCh37 (hg19) VCF-style: chr15-23892505-T-C.
Other names: short protein forms M129V.
Identifiers: ClinVar variation 435800 (VCV000435800.50), dbSNP rs188762916, ClinGen allele CA7430116.

ClinVar aggregate classification (germline): Conflicting classifications of pathogenicity. Review status: criteria provided, conflicting classifications (1 of 4 stars). 9 submissions from 9 submitters: Uncertain significance (1); Benign (2); Likely benign (4). 2 of the submissions do not count toward it. Last evaluated 2026-09-01.

Conditions:
Prader-Willi syndrome (PWS). Identifiers: Orphanet 739, MedGen C0032897, MONDO:0008300, OMIM 176270. Disease mechanism: Microdeletion, loss of function. Inheritance: Microdletion.
Inborn genetic diseases. Identifiers: MedGen C0950123, MeSH D030342.

Allele frequency attached by ClinVar (database versions not stated): 1000 Genomes Project 0.00040; ExAC 0.00080; gnomAD exomes 0.00100 and 0.00138; 1000 Genomes Project 30x 0.00109; gnomAD 0.00109; TOPMed 0.00142.

Submissions (9):

CeGaT Center for Human Genetics Tuebingen
Classification: Likely benign. Last evaluated: 2026-09-01. Review status: criteria provided, single submitter. Criteria: CeGaT Center For Human Genetics Tuebingen Variant Classification Criteria Version 2. Collection method: clinical testing. Allele origin: germline. Affected: yes. Observed: 9 variant alleles.
Comment: MAGEL2: BS1

Labcorp Genetics (formerly Invitae), Labcorp
Classification: Likely benign. Last evaluated: 2026-02-03. Review status: criteria provided, single submitter. Criteria: Invitae Variant Classification Sherloc (09022015). Collection method: clinical testing. Allele origin: germline.

Blueprint Genetics
Classification: Likely benign. Last evaluated: 2024-11-27. Review status: criteria provided, single submitter. Criteria: ACMG Guidelines, 2015. Collection method: clinical testing. Allele origin: germline.

Ambry Genetics
Classification: Likely benign for Inborn genetic diseases. Last evaluated: 2021-10-26. Review status: criteria provided, single submitter. Criteria: Ambry Variant Classification Scheme 2023. Collection method: clinical testing. Allele origin: germline.

GeneDx
Classification: Benign. Last evaluated: 2021-10-06. Review status: criteria provided, single submitter. Criteria: GeneDx Variant Classification Process June 2021. Collection method: clinical testing. Allele origin: germline. Affected: yes.

Centre for Mendelian Genomics, University Medical Centre Ljubljana
Classification: Benign for Prader-Willi syndrome. Last evaluated: 2018-10-04. Review status: criteria provided, single submitter. Criteria: ACMG Guidelines, 2015. Collection method: clinical testing. Allele origin: unknown. Affected: yes.
Comment: This variant was classified as: Benign. The following ACMG criteria were applied in classifying this variant: BS1,BS2.

Genetic Services Laboratory, University of Chicago
Classification: Uncertain significance. Last evaluated: 2016-10-13. Review status: criteria provided, single submitter. Criteria: ACMG Guidelines, 2015. Collection method: clinical testing. Allele origin: germline. Affected: no.

Clinical Genetics DNA and cytogenetics Diagnostics Lab, Erasmus MC, Erasmus Medical Center
Classification: Likely benign. Review status: no assertion criteria provided. Collection method: clinical testing. Allele origin: germline. Affected: yes. Study: VKGL Data-share Consensus. Not counted in ClinVar's aggregate classification.

Clinical Genetics, Academic Medical Center
Classification: Likely benign. Review status: no assertion criteria provided. Collection method: clinical testing. Allele origin: germline. Affected: yes. Study: VKGL Data-share Consensus. Not counted in ClinVar's aggregate classification.